The following is an entry in ClinVar:

NM_000069.3(CACNA1S):c.1631C>T (p.Ser544Leu)

Gene: CACNA1S (calcium voltage-gated channel subunit alpha1 S; minus strand). Cytogenetic location: 1q32.1.
Variant type: single nucleotide variant.
Coding change: c.1631C>T on transcript NM_000069.3 (MANE Select); coding-DNA position 1631, C replaced by T.
Protein change: p.Ser544Leu; replaces serine 544 with leucine.
Molecular consequence: missense variant.
Genome position (GRCh38, 1-based): chr1:201,077,116, G>A on the plus strand (C>T on the coding strand, the complement: CACNA1S is on the minus strand). VCF-style: chr1-201077116-G-A. GRCh37 (hg19) VCF-style: chr1-201046244-G-A.
Other names: short protein forms S544L.
Identifiers: ClinVar variation 1710875 (VCV001710875.3), dbSNP rs1454338225, ClinGen allele CA344120709.

ClinVar aggregate classification (germline): Uncertain significance. Review status: criteria provided, multiple submitters, no conflicts (2 of 4 stars). 2 submissions from 2 submitters: Uncertain significance (2). Last evaluated 2023-11-15.

Conditions:
Malignant hyperthermia, susceptibility to, 5 (MHS5). Also called: CACNA1S-Related Malignant Hyperthermia Susceptibility. Identifiers: Orphanet 423, MedGen C1866077, MONDO:0011163, OMIM 601887.

Allele frequency attached by ClinVar (database versions not stated): TOPMed below 0.00001; gnomAD 0.00001; gnomAD exomes 0.00001.
gnomAD v4.1: 8 of 1,613,856 alleles (0.0005%); highest among the groups gnomAD compares: South Asian, 0.0033%; no homozygotes.

Submissions (2):

Color Diagnostics, LLC DBA Color Health
Classification: Uncertain significance for Malignant hyperthermia, susceptibility to, 5. Last evaluated: 2023-11-15. Review status: criteria provided, single submitter. Criteria: ACMG Guidelines, 2015. Collection method: clinical testing. Allele origin: germline.
Comment: This missense variant replaces serine with leucine at codon 544 of the CACNA1S protein. Computational prediction suggests that this variant may have deleterious impact on protein structure and function. To our knowledge, functional studies have not been reported for this variant. This variant has not been reported in individuals affected with CACNA1S-related disorders in the literature. This variant has been identified in 1/251136 chromosomes in the general population by the Genome Aggregation Database (gnomAD). The available evidence is insufficient to determine the role of this variant in disease conclusively. Therefore, this variant is classified as a Variant of Uncertain Significance.

GeneDx
Classification: Uncertain significance. Last evaluated: 2022-04-11. Review status: criteria provided, single submitter. Criteria: GeneDx Variant Classification Process June 2021. Collection method: clinical testing. Allele origin: germline. Affected: yes.
Comment: Not observed at significant frequency in large population cohorts (gnomAD); In silico analysis supports that this missense variant has a deleterious effect on protein structure/function; Has not been previously published as pathogenic or benign to our knowledge